The following is an entry in ClinVar:

NM_000540.3(RYR1):c.1632C>G (p.Asp544Glu)

Gene: RYR1 (ryanodine receptor 1; plus strand). Cytogenetic location: 19q13.2.
Variant type: single nucleotide variant.
Coding change: c.1632C>G on transcript NM_000540.3 (MANE Select); coding-DNA position 1632, C replaced by G.
Protein change: p.Asp544Glu; replaces aspartic acid 544 with glutamic acid.
Molecular consequence: missense variant.
Genome position (GRCh38, 1-based): chr19:38,455,506, C>G. VCF-style: chr19-38455506-C-G. GRCh37 (hg19) VCF-style: chr19-38946146-C-G.
Other names: c.1632C>G, p.Asp544Glu (NM_001042723.2); short protein forms D544E.
Identifiers: ClinVar variation 590484 (VCV000590484.4), dbSNP rs1568448011, ClinGen allele CA405690145.

ClinVar aggregate classification (germline): Uncertain significance. Review status: criteria provided, multiple submitters, no conflicts (2 of 4 stars). 2 submissions from 2 submitters: Uncertain significance (2). Last evaluated 2023-08-18.

Conditions:
RYR1-related disorder. Also called: RYR1-related condition; RYR1-related disorders. Identifiers: MedGen CN239331.

Submissions (2):

PreventionGenetics, part of Exact Sciences
Classification: Uncertain significance for RYR1-related condition. Last evaluated: 2023-08-18. Review status: criteria provided, single submitter. Criteria: ACMG Guidelines, 2015. Collection method: clinical testing. Allele origin: germline.
Comment: The RYR1 c.1632C>G variant is predicted to result in the amino acid substitution p.Asp544Glu. To our knowledge, this variant has not been reported in the literature or in a large population database, indicating this variant is rare. A different amino acid substitution at this position (p.Asp544Tyr) has been reported in an individual with malignant hyperthermia susceptibility (Levano et al 2009. PubMed ID: 19191329). At this time, the clinical significance of this variant is uncertain due to the absence of conclusive functional and genetic evidence.

Blueprint Genetics
Classification: Uncertain significance. Last evaluated: 2021-06-02. Review status: criteria provided, single submitter. Criteria: ACMG Guidelines, 2015. Collection method: clinical testing. Allele origin: germline.